The following is an entry in ClinVar:

ClinVar aggregate classification (germline): Likely benign. Review status: criteria provided, multiple submitters, no conflicts (2 of 4 stars). 3 submissions from 3 submitters: Likely benign (2). 1 of the submissions does not count toward it. Last evaluated 2025-07-29.

Conditions:
ABCC8-related disorder.

gnomAD v4.1: 43 of 1,552,482 alleles (0.0028%); highest among the groups gnomAD compares: Non-Finnish European, 0.0031%; no homozygotes.

Submissions (3):

Women's Health and Genetics/Laboratory Corporation of America, LabCorp
Classification: Likely benign. Last evaluated: 2025-07-29. Review status: criteria provided, single submitter. Criteria: LabCorp Variant Classification Summary - May 2015. Collection method: clinical testing. Allele origin: germline.

Blueprint Genetics
Classification: Likely benign. Last evaluated: 2024-09-17. Review status: criteria provided, single submitter. Criteria: ACMG Guidelines, 2015. Collection method: clinical testing. Allele origin: germline.

PreventionGenetics, part of Exact Sciences
Classification: Likely benign for ABCC8-related condition. Last evaluated: 2019-07-15. Review status: no assertion criteria provided. Collection method: clinical testing. Allele origin: germline. Not counted in ClinVar's aggregate classification.
Comment: This variant is classified as likely benign based on ACMG/AMP sequence variant interpretation guidelines (Richards et al. 2015 PMID: 25741868, with internal and published modifications).

NM_000352.6(ABCC8):c.1644G>A (p.Thr548=)

Gene: ABCC8 (ATP binding cassette subfamily C member 8; minus strand). Cytogenetic location: 11p15.1.
Variant type: single nucleotide variant.
Coding change: c.1644G>A on transcript NM_000352.6 (MANE Select); coding-DNA position 1644, G replaced by A.
Protein change: p.Thr548=; no amino-acid change (threonine 548 retained).
Molecular consequence: synonymous variant. On other transcripts: non-coding transcript variant (1).
Genome position (GRCh38, 1-based): chr11:17,432,231, C>T on the plus strand (G>A on the coding strand, the complement: ABCC8 is on the minus strand). VCF-style: chr11-17432231-C-T. GRCh37 (hg19) VCF-style: chr11-17453778-C-T.
Other names: c.1644G>A, p.Thr548= (NM_001287174.3, NM_001351295.2); c.1641G>A, p.Thr547= (NM_001351296.2, NM_001351297.2).
Identifiers: ClinVar variation 3050519 (VCV003050519.4), dbSNP rs565996783, ClinGen allele CA5903499.